The following is an entry in ClinVar:

NM_000137.4(FAH):c.562C>T (p.Pro188Ser)

Gene: FAH (fumarylacetoacetate hydrolase; plus strand). Cytogenetic location: 15q25.1.
Variant type: single nucleotide variant.
Coding change: c.562C>T on transcript NM_000137.4 (MANE Select); coding-DNA position 562, C replaced by T.
Protein change: p.Pro188Ser; replaces proline 188 with serine.
Molecular consequence: missense variant.
Genome position (GRCh38, 1-based): chr15:80,168,272, C>T. VCF-style: chr15-80168272-C-T. GRCh37 (hg19) VCF-style: chr15-80460614-C-T.
Other names: c.562C>T, p.Pro188Ser (NM_001374377.1, NM_001374380.1); short protein forms P188S.
Identifiers: ClinVar variation 4854169 (VCV004854169.1).

ClinVar aggregate classification (germline): Uncertain significance (1 of 4 stars; one submission).

Conditions:
Tyrosinemia type I (TYRSN1). Also called: Deficiency of fumarylacetoacetase; FAH DEFICIENCY; HEPATORENAL TYROSINEMIA; Tyrosinemia type 1; Fumarylacetoacetase deficiency. Identifiers: Orphanet 882, MedGen C0268490, MONDO:0010161, OMIM 276700. Disease mechanism: loss of function.

Submission:

3billion
Classification: Uncertain significance for Tyrosinemia type I. Last evaluated: 2025-06-03. Review status: criteria provided, single submitter. Criteria: ACMG Guidelines, 2015. Collection method: clinical testing. Allele origin: germline. Affected: yes.
Comment: The variant is not observed in the gnomAD v4.1.0 dataset. Predicted Consequence/Location: Missense variant In silico tool predictions suggest damaging effect of the variant on gene or gene product [REVEL: 0.72 (>=0.6, sensitivity 0.68 and specificity 0.92)]. Therefore, this variant is classified as VUS according to the recommendation of ACMG/AMP guideline.